The following is an entry in ClinVar:

NM_001032283.3(TMPO):c.565+1270A>G

Gene: TMPO (thymopoietin; plus strand). Cytogenetic location: 12q23.1.
Variant type: single nucleotide variant.
Coding change: c.565+1270A>G on transcript NM_001032283.3 (MANE Select); 1270 bases into the intron after coding-DNA position 565, A replaced by G.
Molecular consequence: intron variant. On other transcripts: missense variant (1).
Genome position (GRCh38, 1-based): chr12:98,533,108, A>G. VCF-style: chr12-98533108-A-G. GRCh37 (hg19) VCF-style: chr12-98926886-A-G.
Other names: c.851A>G, p.His284Arg (NM_003276.2); c.565+1270A>G (NM_001307975.2, NM_001032284.3); short protein forms H284R.
Identifiers: ClinVar variation 3371422 (VCV003371422.1).
Genomic context (GRCh38, chr12:98,533,108, plus strand): 5'-GGGGACAGTTGCAGAAGTTAGCCTCTGAAAGGAATTTGTTTATTTCATGCAAGTCTAGCC[A>G]TGATAGGTGTTTAGAGAAAAGTTCTTCGTCATCTTCTCAGCCTGAACACAGTGCCATGTT-3'

ClinVar aggregate classification (germline): Uncertain significance (1 of 4 stars; one submission).

gnomAD v4.1: 7 of 1,614,154 alleles (0.00043%); highest among the groups gnomAD compares: Non-Finnish European, 0.00059%; no homozygotes.

Submission:

GeneDx
Classification: Uncertain significance. Last evaluated: 2024-03-25. Review status: criteria provided, single submitter. Criteria: GeneDx Variant Classification Process June 2021. Collection method: clinical testing. Allele origin: germline. Affected: yes.
Comment: Not observed at significant frequency in large population cohorts (gnomAD); In silico analysis supports that this missense variant does not alter protein structure/function; Has not been previously published as pathogenic or benign to our knowledge